The following is an entry in ClinVar:

NM_018297.4(NGLY1):c.1517G>A (p.Arg506Gln)

Gene: NGLY1 (N-glycanase 1; minus strand). Cytogenetic location: 3p24.2.
Variant type: single nucleotide variant.
Coding change: c.1517G>A on transcript NM_018297.4 (MANE Select); coding-DNA position 1517, G replaced by A.
Protein change: p.Arg506Gln; replaces arginine 506 with glutamine.
Molecular consequence: missense variant.
Genome position (GRCh38, 1-based): chr3:25,729,227, C>T on the plus strand (G>A on the coding strand, the complement: NGLY1 is on the minus strand). VCF-style: chr3-25729227-C-T. GRCh37 (hg19) VCF-style: chr3-25770718-C-T.
Other names: c.1463G>A, p.Arg488Gln (NM_001145293.2); c.1391G>A, p.Arg464Gln (NM_001145294.2); c.1517G>A, p.Arg506Gln (NM_001145295.2); short protein forms R464Q, R506Q, R488Q.
Identifiers: ClinVar variation 566822 (VCV000566822.3), dbSNP rs146208989, ClinGen allele CA2289133.
Genomic context (GRCh38, chr3:25,729,227, plus strand): 5'-GATTCCATTTTCCACACGCCATTCTCCCATCCAGAAATGGTTTGATTGTTATTTGAAACT[C>T]GAACATAACGATCTTTCACAATATTGTAACAAAGGTGGAGCTGTTTAGAAATCTTCTCAT-3'
Protein context (NP_060767.2, residues 496-516): CYNIVKDRYV[Arg506Gln]VSNNNQTISG

ClinVar aggregate classification (germline): Uncertain significance (1 of 4 stars; one submission).

Conditions:
Congenital disorder of deglycosylation (CDDG). Identifiers: MedGen C3808991, MONDO:0031376.

Allele frequency attached by ClinVar (database versions not stated): ExAC 0.00001; gnomAD exomes 0.00001 and 0.00003; gnomAD 0.00003 and 0.00004; TOPMed 0.00003; ESP Exome Variant Server 0.00008.
gnomAD v4.1: 40 of 1,559,008 alleles (0.0026%); highest among the groups gnomAD compares: African/African-American, 0.0069%; no homozygotes.

Submission:

Labcorp Genetics (formerly Invitae), Labcorp
Classification: Uncertain significance for Congenital disorder of deglycosylation. Last evaluated: 2022-07-09. Review status: criteria provided, single submitter. Criteria: Invitae Variant Classification Sherloc (09022015). Collection method: clinical testing. Allele origin: germline.
Comment: This sequence change replaces arginine, which is basic and polar, with glutamine, which is neutral and polar, at codon 506 of the NGLY1 protein (p.Arg506Gln). This variant is present in population databases (rs146208989, gnomAD 0.02%). This variant has not been reported in the literature in individuals affected with NGLY1-related conditions. ClinVar contains an entry for this variant (Variation ID: 566822). Algorithms developed to predict the effect of missense changes on protein structure and function are either unavailable or do not agree on the potential impact of this missense change (SIFT: "Tolerated"; PolyPhen-2: "Possibly Damaging"; Align-GVGD: "Class C0"). In summary, the available evidence is currently insufficient to determine the role of this variant in disease. Therefore, it has been classified as a Variant of Uncertain Significance.